The following is an entry in ClinVar:

ClinVar aggregate classification (germline): Conflicting classifications of pathogenicity. Review status: criteria provided, conflicting classifications (1 of 4 stars). 2 submissions from 2 submitters: Uncertain significance (1); Likely benign (1). Last evaluated 2025-09-09.

Allele frequency attached by ClinVar (database versions not stated): TOPMed 0.00005; gnomAD 0.00006.
gnomAD v4.1: 135 of 1,613,872 alleles (0.0084%); highest among the groups gnomAD compares: Non-Finnish European, 0.011%; no homozygotes.

Submissions (2):

Labcorp Genetics (formerly Invitae), Labcorp
Classification: Uncertain significance. Last evaluated: 2025-09-09. Review status: criteria provided, single submitter. Criteria: Invitae Variant Classification Sherloc (09022015). Collection method: clinical testing. Allele origin: germline.
Comment: This sequence change replaces leucine, which is neutral and non-polar, with phenylalanine, which is neutral and non-polar, at codon 536 of the SETD5 protein (p.Leu536Phe). This variant is present in population databases (rs770369588, gnomAD 0.007%). This variant has not been reported in the literature in individuals affected with SETD5-related conditions. ClinVar contains an entry for this variant (Variation ID: 1204222). Invitae Evidence Modeling of protein sequence and biophysical properties (such as structural, functional, and spatial information, amino acid conservation, physicochemical variation, residue mobility, and thermodynamic stability) indicates that this missense variant is not expected to disrupt SETD5 protein function with a negative predictive value of 80%. In summary, the available evidence is currently insufficient to determine the role of this variant in disease. Therefore, it has been classified as a Variant of Uncertain Significance.

GeneDx
Classification: Likely benign. Last evaluated: 2021-02-08. Review status: criteria provided, single submitter. Criteria: GeneDx Variant Classification Process June 2021. Collection method: clinical testing. Allele origin: germline. Affected: yes.

NM_001080517.3(SETD5):c.1608G>T (p.Leu536Phe)

Gene: SETD5 (SET domain containing 5; plus strand). Cytogenetic location: 3p25.3.
Variant type: single nucleotide variant.
Coding change: c.1608G>T on transcript NM_001080517.3 (MANE Select); coding-DNA position 1608, G replaced by T.
Protein change: p.Leu536Phe; replaces leucine 536 with phenylalanine.
Molecular consequence: missense variant.
Genome position (GRCh38, 1-based): chr3:9,447,133, G>T. VCF-style: chr3-9447133-G-T. GRCh37 (hg19) VCF-style: chr3-9488817-G-T.
Other names: c.1314G>T, p.Leu438Phe (NM_001292043.2, NM_001349451.2); short protein forms L438F, L536F.
Identifiers: ClinVar variation 1204222 (VCV001204222.11), dbSNP rs770369588, ClinGen allele CA2239243.